The following is an entry in ClinVar:

ClinVar aggregate classification (germline): Uncertain significance (1 of 4 stars; one submission).

Submission:

Labcorp Genetics (formerly Invitae), Labcorp
Classification: Uncertain significance. Last evaluated: 2025-10-08. Review status: criteria provided, single submitter. Criteria: Invitae Variant Classification Sherloc (09022015). Collection method: clinical testing. Allele origin: germline.
Comment: This sequence change replaces serine, which is neutral and polar, with threonine, which is neutral and polar, at codon 823 of the FRYL protein (p.Ser823Thr). This variant is not present in population databases (gnomAD no frequency). This variant has not been reported in the literature in individuals affected with FRYL-related conditions. An algorithm developed to predict the effect of missense changes on protein structure and function (PolyPhen-2) suggests that this variant is likely to be tolerated. In summary, the available evidence is currently insufficient to determine the role of this variant in disease. Therefore, it has been classified as a Variant of Uncertain Significance.

NM_015030.2(FRYL):c.2468G>C (p.Ser823Thr)

Gene: FRYL (FRY like transcription coactivator; minus strand). Cytogenetic location: 4p11.
Variant type: single nucleotide variant.
Coding change: c.2468G>C on transcript NM_015030.2 (MANE Select); coding-DNA position 2468, G replaced by C.
Protein change: p.Ser823Thr; replaces serine 823 with threonine.
Molecular consequence: missense variant.
Genome position (GRCh38, 1-based): chr4:48,579,033, C>G on the plus strand (G>C on the coding strand, the complement: FRYL is on the minus strand). VCF-style: chr4-48579033-C-G. GRCh37 (hg19) VCF-style: chr4-48581050-C-G.
Other names: short protein forms S823T.
Identifiers: ClinVar variation 4728736 (VCV004728736.1).